The following is an entry in ClinVar:

ClinVar aggregate classification (germline): Conflicting classifications of pathogenicity. Review status: criteria provided, conflicting classifications (1 of 4 stars). 7 submissions from 7 submitters: Uncertain significance (6); Likely benign (1). Last evaluated 2026-03-11.

Conditions:
Aicardi-Goutieres syndrome 3. Identifiers: Orphanet 51, MedGen C1835916, MONDO:0012471, OMIM 610329.

Allele frequency attached by ClinVar (database versions not stated): 1000 Genomes Project 0.00020; TOPMed 0.00030; 1000 Genomes Project 30x 0.00031; ESP Exome Variant Server 0.00038.

Submissions (7):

Women's Health and Genetics/Laboratory Corporation of America, LabCorp
Classification: Uncertain significance. Last evaluated: 2026-03-11. Review status: criteria provided, single submitter. Criteria: LabCorp Variant Classification Summary - May 2015. Collection method: clinical testing. Allele origin: germline.
Comment: Variant summary: RNASEH2C c.292C>T (p.Pro98Ser) results in a non-conservative amino acid change in the encoded protein sequence. Algorithms developed to predict the effect of missense changes on protein structure and function are either unavailable or do not agree on the potential impact of this missense change. The variant allele was found at a frequency of 0.00014 in 251490 control chromosomes. This frequency is not significantly higher than estimated for disease-causing variants in RNASEH2C, allowing no conclusion about variant significance. To our knowledge, no occurrence of c.292C>T in individuals affected with RNASEH2C-related conditions and no experimental evidence demonstrating its impact on protein function have been reported. ClinVar contains an entry for this variant (Variation ID: 836029). Based on the evidence outlined above, the variant was classified as uncertain significance.

ARUP Laboratories, Molecular Genetics and Genomics, ARUP Laboratories
Classification: Uncertain significance for Aicardi-Goutieres syndrome 3. Last evaluated: 2025-02-06. Review status: criteria provided, single submitter. Criteria: ARUP Molecular Germline Variant Investigation Process 2024. Collection method: clinical testing. Allele origin: germline.

Blueprint Genetics
Classification: Likely benign. Last evaluated: 2024-09-23. Review status: criteria provided, single submitter. Criteria: ACMG Guidelines, 2015. Collection method: clinical testing. Allele origin: germline.

Mayo Clinic Laboratories, Mayo Clinic
Classification: Uncertain significance. Last evaluated: 2023-12-08. Review status: criteria provided, single submitter. Criteria: ACMG Guidelines, 2015. Collection method: clinical testing. Allele origin: germline. Observed: 1 variant allele.
Comment: BP4

Labcorp Genetics (formerly Invitae), Labcorp
Classification: Uncertain significance for Aicardi-Goutieres syndrome 3. Last evaluated: 2022-11-01. Review status: criteria provided, single submitter. Criteria: Invitae Variant Classification Sherloc (09022015). Collection method: clinical testing. Allele origin: germline.
Comment: This sequence change replaces proline, which is neutral and non-polar, with serine, which is neutral and polar, at codon 98 of the RNASEH2C protein (p.Pro98Ser). This variant is present in population databases (rs148186114, gnomAD 0.02%). This variant has not been reported in the literature in individuals affected with RNASEH2C-related conditions. ClinVar contains an entry for this variant (Variation ID: 836029). Algorithms developed to predict the effect of missense changes on protein structure and function (SIFT, PolyPhen-2, Align-GVGD) all suggest that this variant is likely to be tolerated. In summary, the available evidence is currently insufficient to determine the role of this variant in disease. Therefore, it has been classified as a Variant of Uncertain Significance.

Fulgent Genetics
Classification: Uncertain significance for Aicardi-Goutieres syndrome 3. Last evaluated: 2021-09-29. Review status: criteria provided, single submitter. Criteria: ACMG Guidelines, 2015. Collection method: clinical testing. Allele origin: unknown.

GeneDx
Classification: Uncertain significance. Last evaluated: 2020-11-06. Review status: criteria provided, single submitter. Criteria: GeneDx Variant Classification Process June 2021. Collection method: clinical testing. Allele origin: germline. Affected: yes.
Comment: In silico analysis supports that this missense variant does not alter protein structure/function; Has not been previously published as pathogenic or benign to our knowledge

NM_032193.4(RNASEH2C):c.292C>T (p.Pro98Ser)

Gene: RNASEH2C (ribonuclease H2 subunit C; minus strand). Cytogenetic location: 11q13.1.
Variant type: single nucleotide variant.
Coding change: c.292C>T on transcript NM_032193.4 (MANE Select); coding-DNA position 292, C replaced by T.
Protein change: p.Pro98Ser; replaces proline 98 with serine.
Molecular consequence: missense variant.
Genome position (GRCh38, 1-based): chr11:65,720,298, G>A on the plus strand (C>T on the coding strand, the complement: RNASEH2C is on the minus strand). VCF-style: chr11-65720298-G-A. GRCh37 (hg19) VCF-style: chr11-65487769-G-A.
Other names: p.Pro98Ser; short protein forms P98S.
Identifiers: ClinVar variation 836029 (VCV000836029.13), dbSNP rs148186114, ClinGen allele CA6107747.
Genomic context (GRCh38, chr11:65,720,298, plus strand): 5'-TCACGAAGTCCCGCTCCAGCGGCTCCTCCTCTTGGTCGTCAGTCCCGGAATCCCGCAAGG[G>A]GTCTGGCTTCCCCATCGACACCTTCTTCTCTTCTGTCACCATCACGTATCCCACGAGGCC-3'
Protein context (NP_115569.2, residues 88-108): EKKVSMGKPD[Pro98Ser]LRDSGTDDQE